The following is an entry in ClinVar:

ClinVar aggregate classification (germline): Uncertain significance (1 of 4 stars; one submission).

Submission:

Labcorp Genetics (formerly Invitae), Labcorp
Classification: Uncertain significance. Last evaluated: 2025-04-22. Review status: criteria provided, single submitter. Criteria: Invitae Variant Classification Sherloc (09022015). Collection method: clinical testing. Allele origin: germline.
Comment: This sequence change replaces histidine, which is basic and polar, with aspartic acid, which is acidic and polar, at codon 249 of the TAOK2 protein (p.His249Asp). This variant is not present in population databases (gnomAD no frequency). This variant has not been reported in the literature in individuals affected with TAOK2-related conditions. An algorithm developed to predict the effect of missense changes on protein structure and function (PolyPhen-2) suggests that this variant is likely to be tolerated. In summary, the available evidence is currently insufficient to determine the role of this variant in disease. Therefore, it has been classified as a Variant of Uncertain Significance.

NM_016151.4(TAOK2):c.745C>G (p.His249Asp)

Gene: TAOK2 (TAO kinase 2; plus strand). Cytogenetic location: 16p11.2.
Variant type: single nucleotide variant.
Coding change: c.745C>G on transcript NM_016151.4 (MANE Select); coding-DNA position 745, C replaced by G.
Protein change: p.His249Asp; replaces histidine 249 with aspartic acid.
Molecular consequence: missense variant.
Genome position (GRCh38, 1-based): chr16:29,981,750, C>G. VCF-style: chr16-29981750-C-G. GRCh37 (hg19) VCF-style: chr16-29993071-C-G.
Other names: c.745C>G, p.His249Asp (NM_001252043.2, NM_004783.4); short protein forms H249D.
Identifiers: ClinVar variation 4717801 (VCV004717801.1).
Genomic context (GRCh38, chr16:29,981,750, plus strand): 5'-AATGCGATGAGTGCCTTATACCACATTGCACAGAACGAATCCCCCGTGCTCCAGTCAGGA[C>G]ACTGGTGAGGACTGAGATTCCGAATCTGGGCCCAGGCGTTAGGCCATGGGGTATGGATGC-3'
Protein context (NP_057235.2, residues 239-259): QNESPVLQSG[His249Asp]WSEYFRNFVD